The following is an entry in ClinVar:

ClinVar aggregate classification (germline): Uncertain significance (1 of 4 stars; one submission).

Conditions:
Episodic ataxia type 2 (EA2). Also called: ACETAZOLAMIDE-RESPONSIVE HEREDITARY PAROXYSMAL CEREBELLAR ATAXIA; ATAXIA, EPISODIC, WITH NYSTAGMUS; ATAXIA, FAMILIAL PAROXYSMAL; CEREBELLAR ATAXIA, PAROXYSMAL, ACETAZOLAMIDE-RESPONSIVE; CEREBELLOPATHY, HEREDITARY PAROXYSMAL; EPISODIC ATAXIA, NYSTAGMUS-ASSOCIATED. Identifiers: Orphanet 97, MedGen C1720416, MONDO:0007163, OMIM 108500.
Developmental and epileptic encephalopathy, 42 (DEE42A). Also called: Epileptic encephalopathy, early infantile, 42; DEVELOPMENTAL AND EPILEPTIC ENCEPHALOPATHY 42A; EPILEPTIC ENCEPHALOPATHY, EARLY INFANTILE, 42A. Identifiers: MedGen C4310716, MONDO:0014917, OMIM 617106.

Submission:

Labcorp Genetics (formerly Invitae), Labcorp
Classification: Uncertain significance for Developmental and epileptic encephalopathy, 42; Episodic ataxia type 2. Last evaluated: 2024-09-30. Review status: criteria provided, single submitter. Criteria: Invitae Variant Classification Sherloc (09022015). Collection method: clinical testing. Allele origin: germline.
Comment: This variant, c.2195_2197del, results in the deletion of 1 amino acid(s) of the CACNA1A protein (p.Glu732del), but otherwise preserves the integrity of the reading frame. This variant is not present in population databases (gnomAD no frequency). This variant has not been reported in the literature in individuals affected with CACNA1A-related conditions. Experimental studies and prediction algorithms are not available or were not evaluated, and the functional significance of this variant is currently unknown. In summary, the available evidence is currently insufficient to determine the role of this variant in disease. Therefore, it has been classified as a Variant of Uncertain Significance.

NM_001127222.2(CACNA1A):c.2186AAG[2] (p.Glu731del)

Gene: CACNA1A (calcium voltage-gated channel subunit alpha1 A; minus strand). Cytogenetic location: 19p13.13.
Variant type: Microsatellite.
Coding change: c.2186AAG[2] on transcript NM_001127222.2 (MANE Select); two copies in a row of the 3-base unit AAG starting at c.2186; the reference has three copies in a row; one copy, 3 bases deleted.
Protein change: p.Glu731del; deletes glutamic acid 731.
Molecular consequence: inframe deletion.
Genome position (GRCh38, 1-based): chr19:13,300,635-13,300,637, CTT deleted on the plus strand (AAG on the coding strand, the reverse complement: CACNA1A is on the minus strand); deleting any 3 consecutive bases within chr19:13,300,635-13,300,644 gives the same sequence; the position shown is the placement nearest the transcript's 3' end. VCF-style (leftmost placement, unchanged base first): chr19-13300634-GCTT-G. GRCh37 (hg19) VCF-style: chr19-13411448-GCTT-G.
Other names: c.2198AAG[2], p.Glu735del (NM_000068.4, NM_023035.3); c.2189AAG[2], p.Glu732del (NM_001127221.2, NM_001174080.2); short protein forms E731del, E732del, E735del.
Identifiers: ClinVar variation 3748303 (VCV003748303.2).
Genomic context (GRCh38, chr19:13,300,634, plus strand): 5'-GACAGAGGACTCACTTCTGCCACCTCCTTGGCTTTCTGTAGGGCAAGTTTCTGGTTCGCT[GCTT>G]CTTCTTCCTCTTGCTCGTCCTAAAAGGCACGTGGAATCTTTGTTCACAAAACATGAACTA-3'